The following is an entry in ClinVar:

ClinVar aggregate classification (germline): Benign. Review status: reviewed by expert panel (3 of 4 stars). 8 submissions from 8 submitters: Benign (1). 7 of the submissions do not count toward it. Last evaluated 2023-11-14.

Conditions:
X-linked severe combined immunodeficiency (SCIDX1). Also called: IMMUNODEFICIENCY 4; SCID, X-LINKED; SEVERE COMBINED IMMUNODEFICIENCY, X-LINKED, T CELL-NEGATIVE, B CELL-POSITIVE, NK CELL-NEGATIVE; T-B+ severe combined immunodeficiency due to gamma chain deficiency; X-Linked Combined Immunodeficiency Diseases. Identifiers: Orphanet 276, MedGen C6022468, MONDO:0010315, OMIM 300400. Disease mechanism: loss of function.

Allele frequency attached by ClinVar (database versions not stated): 1000 Genomes Project 30x 0.00021; 1000 Genomes Project 0.00026; TOPMed 0.00045; ESP Exome Variant Server 0.00057; gnomAD 0.00059 and 0.00061; gnomAD exomes 0.00078 and 0.00090; ExAC 0.00099.
gnomAD v4.1: 902 of 1,207,483 alleles (0.075%); highest among the groups gnomAD compares: South Asian, 0.07%; 1 homozygote.

Submissions (8):

ClinGen Severe Combined Immunodeficiency Variant Curation Expert Panel, ClinGen
Classification: Benign for X-linked severe combined immunodeficiency. Last evaluated: 2023-11-14. Review status: reviewed by expert panel. Criteria: ClinGen SCID ACMG Specifications IL2RG V1.0.0. Collection method: curation. Allele origin: germline. Inheritance: X-linked inheritance.
Comment: The NM_000206.3(IL2RG):c.325G>A (p.Glu109Lys) is a missense variant that has been reported in ClinVar, without patient information, however it has not been reported in the literature to our knowledge. It occurs at an intermediate allele frequency, with a popmax filtering allele frequency in gnomAD v2.1.1 of 0.0006719 (based on 74/92629 alleles in the non-Finnish European population) which is below the SCID VCEP established threshold of >0.00249 for BS1 and above the PM2 threshold of <0.000124. However, the highest MAF is in the Finnish population at 0.004561 (85/18638 alleles, 28 hemizygotes and 1 homozygote) which is above the SCID VCEP established threshold of >0.00249. As this population is not known to have a higher prevalence of this is considered to meet BS1. Sixty-two adult hemizygous males with this variant are present in the gnomADv2.1.1 dataset as well as a homozygous female (BS2). In summary, this variant is classified as Benign. Criteria applied: BS1, BS2 (VCEP specifications version 1).

Labcorp Genetics (formerly Invitae), Labcorp
Classification: Benign for X-linked severe combined immunodeficiency. Last evaluated: 2026-01-26. Review status: criteria provided, single submitter. Criteria: Invitae Variant Classification Sherloc (09022015). Collection method: clinical testing. Allele origin: germline. Not counted in ClinVar's aggregate classification.

Blueprint Genetics
Classification: Likely benign. Last evaluated: 2024-10-10. Review status: criteria provided, single submitter. Criteria: ACMG Guidelines, 2015. Collection method: clinical testing. Allele origin: germline. Not counted in ClinVar's aggregate classification.

Illumina Laboratory Services, Illumina
Classification: Benign for X-linked severe combined immunodeficiency. Last evaluated: 2018-01-12. Review status: criteria provided, single submitter. Criteria: ICSL Variant Classification Criteria 13 December 2019. Collection method: clinical testing. Allele origin: germline. Not counted in ClinVar's aggregate classification.
Comment: This variant was observed in the ICSL laboratory as part of a predisposition screen in an ostensibly healthy population. It had not been previously curated by ICSL or reported in the Human Gene Mutation Database (HGMD: prior to June 1st, 2018), and was therefore a candidate for classification through an automated scoring system. Utilizing variant allele frequency, disease prevalence and penetrance estimates, and inheritance mode, an automated score was calculated to assess if this variant is too frequent to cause the disease. Based on the score and internal cut-off values, a variant classified as benign is not then subjected to further curation. The score for this variant resulted in a classification of benign for this disease.

GeneDx
Classification: Likely benign. Last evaluated: 2017-09-08. Review status: criteria provided, single submitter. Criteria: GeneDx Variant Classification (06012015). Collection method: clinical testing. Allele origin: germline. Affected: yes. Not counted in ClinVar's aggregate classification.
Comment: This variant is considered likely benign or benign based on one or more of the following criteria: it is a conservative change, it occurs at a poorly conserved position in the protein, it is predicted to be benign by multiple in silico algorithms, and/or has population frequency not consistent with disease.

Natera, Inc.
Classification: Likely benign for X-linked severe combined immunodeficiency. Last evaluated: 2019-12-09. Review status: no assertion criteria provided. Collection method: clinical testing. Allele origin: germline. Not counted in ClinVar's aggregate classification.

Clinical Genetics DNA and cytogenetics Diagnostics Lab, Erasmus MC, Erasmus Medical Center
Classification: Benign. Review status: no assertion criteria provided. Collection method: clinical testing. Allele origin: germline. Affected: yes. Study: VKGL Data-share Consensus. Not counted in ClinVar's aggregate classification.

Genome Diagnostics Laboratory, University Medical Center Utrecht
Classification: Likely benign. Review status: no assertion criteria provided. Collection method: clinical testing. Allele origin: germline. Affected: yes. Study: VKGL Data-share Consensus. Not counted in ClinVar's aggregate classification.

NM_000206.3(IL2RG):c.325G>A (p.Glu109Lys)

Gene: IL2RG (interleukin 2 receptor subunit gamma; minus strand). Cytogenetic location: Xq13.1.
Variant type: single nucleotide variant.
Coding change: c.325G>A on transcript NM_000206.3 (MANE Select); coding-DNA position 325, G replaced by A.
Protein change: p.Glu109Lys; replaces glutamic acid 109 with lysine.
Molecular consequence: missense variant.
Genome position (GRCh38, 1-based): chrX:71,110,633, C>T on the plus strand (G>A on the coding strand, the complement: IL2RG is on the minus strand). VCF-style: chrX-71110633-C-T. GRCh37 (hg19) VCF-style: chrX-70330483-C-T.
Other names: NM_000206.3(IL2RG):c.325G>A; short protein forms E109K.
Identifiers: ClinVar variation 368619 (VCV000368619.22), dbSNP rs17875899, ClinGen allele CA10443889.